The following is an entry in ClinVar:

NM_000179.3(MSH6):c.3322T>A (p.Phe1108Ile)

Gene: MSH6 (mutS homolog 6; plus strand). Cytogenetic location: 2p16.3.
Variant type: single nucleotide variant.
Coding change: c.3322T>A on transcript NM_000179.3 (MANE Select); coding-DNA position 3322, T replaced by A.
Protein change: p.Phe1108Ile; replaces phenylalanine 1108 with isoleucine.
Molecular consequence: missense variant.
Genome position (GRCh38, 1-based): chr2:47,803,569, T>A. VCF-style: chr2-47803569-T-A. GRCh37 (hg19) VCF-style: chr2-48030708-T-A.
Other names: c.2932T>A, p.Phe978Ile (NM_001281492.2); c.2416T>A, p.Phe806Ile (NM_001281493.2, NM_001281494.2); c.3322T>A (NM_000179.2); short protein forms F978I, F1108I, F806I.
Identifiers: ClinVar variation 1364553 (VCV001364553.10), dbSNP rs2104480101, ClinGen allele CA346758675.

ClinVar aggregate classification (germline): Uncertain significance. Review status: criteria provided, multiple submitters, no conflicts (2 of 4 stars). 3 submissions from 3 submitters: Uncertain significance (3). Last evaluated 2026-07-06.

Conditions:
Hereditary nonpolyposis colorectal neoplasms. Identifiers: MedGen C0009405, MeSH D003123.
Hereditary cancer-predisposing syndrome. Also called: Hereditary Cancer Syndrome; Neoplastic Syndromes, Hereditary; Hereditary neoplastic syndrome; Tumor predisposition. Identifiers: Orphanet 140162, MedGen C0027672, MeSH D009386, MONDO:0015356.
Lynch syndrome. Identifiers: Orphanet 144, MedGen C4552100, MONDO:0005835. Disease mechanism: loss of function.

Submissions (3):

Ambry Genetics
Classification: Uncertain significance for Hereditary cancer-predisposing syndrome. Last evaluated: 2026-07-06. Review status: criteria provided, single submitter. Criteria: Ambry Variant Classification Scheme 2023. Collection method: clinical testing. Allele origin: germline.
Comment: The p.F1108I variant (also known as c.3322T>A), located in coding exon 5 of the MSH6 gene, results from a T to A substitution at nucleotide position 3322. The phenylalanine at codon 1108 is replaced by isoleucine, an amino acid with highly similar properties. This amino acid position is conserved. In addition, this alteration is predicted to be deleterious by in silico analysis. Based on the available evidence, the clinical significance of this variant remains unclear.

All of Us Research Program, National Institutes of Health
Classification: Uncertain significance for Lynch syndrome. Last evaluated: 2024-03-05. Review status: criteria provided, single submitter. Criteria: ACMG Guidelines, 2015. Collection method: clinical testing. Allele origin: germline. Inheritance: Autosomal dominant inheritance. Observed: 1 variant allele, 1 heterozygote.
Comment: This study involves interpretation of variants in research participants for the purpose of population health screening. Participant phenotype was not available at the time of variant classification. Additional details can be found in publication PMID: 35346344, PMCID: PMC8962531

Labcorp Genetics (formerly Invitae), Labcorp
Classification: Uncertain significance for Hereditary nonpolyposis colorectal neoplasms. Last evaluated: 2021-06-29. Review status: criteria provided, single submitter. Criteria: Invitae Variant Classification Sherloc (09022015). Collection method: clinical testing. Allele origin: germline.
Comment: In summary, the available evidence is currently insufficient to determine the role of this variant in disease. Therefore, it has been classified as a Variant of Uncertain Significance. Advanced modeling of protein sequence and biophysical properties (such as structural, functional, and spatial information, amino acid conservation, physicochemical variation, residue mobility, and thermodynamic stability) performed at Invitae indicates that this missense variant is expected to disrupt MSH6 protein function. This variant has not been reported in the literature in individuals with MSH6-related conditions. This variant is not present in population databases (ExAC no frequency). This sequence change replaces phenylalanine with isoleucine at codon 1108 of the MSH6 protein (p.Phe1108Ile). The phenylalanine residue is highly conserved and there is a small physicochemical difference between phenylalanine and isoleucine.